The following is an entry in ClinVar:

ClinVar aggregate classification (germline): Likely benign (1 of 4 stars; one submission).

Conditions:
Sessile serrated polyposis cancer syndrome (SSPCS). Identifiers: Orphanet 157798, MedGen C4310714, MONDO:0014919, OMIM 617108.

gnomAD v4.1: 1 of 1,613,688 alleles (0.000062%); highest among the groups gnomAD compares: Non-Finnish European, 0.000085%; no homozygotes.

Submission:

Myriad Genetics, Inc.
Classification: Likely benign for Sessile serrated polyposis cancer syndrome. Last evaluated: 2026-06-26. Review status: criteria provided, single submitter. Criteria: Myriad Autosomal Dominant, Autosomal Recessive and X-Linked Classification Criteria (2023). Collection method: clinical testing. Allele origin: unknown.
Comment: This variant is considered likely benign. This variant is intronic and is not expected to impact mRNA splicing.

NM_017763.6(RNF43):c.2309-4A>G

Gene: RNF43 (ring finger protein 43; minus strand). Cytogenetic location: 17q22.
Variant type: single nucleotide variant.
Coding change: c.2309-4A>G on transcript NM_017763.6 (MANE Select); 4 bases into the intron before coding-DNA position 2309, A replaced by G.
Molecular consequence: intron variant.
Genome position (GRCh38, 1-based): chr17:58,354,990, T>C on the plus strand (A>G on the coding strand, the complement: RNF43 is on the minus strand). VCF-style: chr17-58354990-T-C. GRCh37 (hg19) VCF-style: chr17-56432351-T-C.
Other names: c.2309-4A>G (NM_001438822.1, NM_001305544.3); c.1928-4A>G (NM_001305545.2).
Identifiers: ClinVar variation 4876211 (VCV004876211.1).